The following is an entry in ClinVar:

ClinVar aggregate classification (germline): Pathogenic (1 of 4 stars; one submission).

Conditions:
Fanconi anemia complementation group O. Also called: RAD51C-Related Fanconi Anemia. Identifiers: Orphanet 84, MedGen C3150653, MONDO:0013248, OMIM 613390.

Allele frequency attached by ClinVar (database versions not stated): gnomAD exomes below 0.00001.
gnomAD v4.1: 6 of 1,613,762 alleles (0.00037%); highest among the groups gnomAD compares: Non-Finnish European, 0.00051%; no homozygotes.

Submission:

Labcorp Genetics (formerly Invitae), Labcorp
Classification: Pathogenic for Fanconi anemia complementation group O. Last evaluated: 2021-03-21. Review status: criteria provided, single submitter. Criteria: Invitae Variant Classification Sherloc (09022015). Collection method: clinical testing. Allele origin: germline.
Comment: For these reasons, this variant has been classified as Pathogenic. This variant has not been reported in the literature in individuals with RAD51C-related conditions. This variant is not present in population databases (ExAC no frequency). This sequence change creates a premature translational stop signal (p.Lys54*) in the RAD51C gene. It is expected to result in an absent or disrupted protein product. Loss-of-function variants in RAD51C are known to be pathogenic (PMID: 20400964, 21990120, 24800917).

Literature cited by the submitters: PubMed 20400964; PubMed 21990120; PubMed 24800917.

NM_058216.3(RAD51C):c.160A>T (p.Lys54Ter)

Gene: RAD51C (RAD51 paralog C; plus strand). Cytogenetic location: 17q22.
Variant type: single nucleotide variant.
Coding change: c.160A>T on transcript NM_058216.3 (MANE Select); coding-DNA position 160, A replaced by T.
Protein change: p.Lys54Ter; replaces lysine 54 with a stop codon.
Molecular consequence: nonsense. On other transcripts: non-coding transcript variant (2).
Genome position (GRCh38, 1-based): chr17:58,694,945, A>T. VCF-style: chr17-58694945-A-T. GRCh37 (hg19) VCF-style: chr17-56772306-A-T.
Other names: c.160A>T, p.Lys54Ter (NM_002876.4); short protein forms K54*.
Identifiers: ClinVar variation 1460321 (VCV001460321.6), dbSNP rs2047940709, ClinGen allele CA400339600.
Genomic context (GRCh38, chr17:58,694,945, plus strand): 5'-TTAAATCTCTAAAATTAGGGTTCTTTTTTTCTTATTTTACTTTCAGAAGTTGGGATATCT[A>T]AAGCAGAAGCCTTAGAAACTCTGCAAATTATCAGAAGAGAATGTCTCACAAATAAACCAA-3'